The following is an entry in ClinVar:

ClinVar aggregate classification (germline): Pathogenic. Review status: criteria provided, multiple submitters, no conflicts (2 of 4 stars). 2 submissions from 2 submitters: Pathogenic (2). Last evaluated 2024-03-14.

Conditions:
Cohen syndrome (COH1). Also called: PEPPER SYNDROME; Cutis verticis gyrata, retinitis pigmentosa, and sensorineural deafness. Identifiers: Orphanet 193, MedGen C0265223, MONDO:0008999, OMIM 216550.

Submissions (2):

Genomic Medicine Center of Excellence, King Faisal Specialist Hospital and Research Centre
Classification: Pathogenic for Cohen syndrome. Last evaluated: 2024-03-14. Review status: criteria provided, single submitter. Criteria: ACMG Guidelines, 2015. Collection method: clinical testing. Allele origin: germline.

CeGaT Center for Human Genetics Tuebingen
Classification: Pathogenic. Last evaluated: 2023-07-01. Review status: criteria provided, single submitter. Criteria: CeGaT Center For Human Genetics Tuebingen Variant Classification Criteria Version 2. Collection method: clinical testing. Allele origin: germline. Affected: yes. Observed: 1 variant allele.
Comment: VPS13B: PS2, PVS1:Strong, PM2

NM_152564.5(VPS13B):c.10302T>A (p.Tyr3434Ter)

Gene: VPS13B (vacuolar protein sorting 13 homolog B; plus strand). Cytogenetic location: 8q22.2.
Variant type: single nucleotide variant.
Coding change: c.10302T>A on transcript NM_152564.5 (MANE Select); coding-DNA position 10302, T replaced by A.
Protein change: p.Tyr3434Ter; replaces tyrosine 3434 with a stop codon.
Molecular consequence: nonsense.
Genome position (GRCh38, 1-based): chr8:99,853,691, T>A. VCF-style: chr8-99853691-T-A. GRCh37 (hg19) VCF-style: chr8-100865919-T-A.
Other names: c.10377T>A, p.Tyr3459Ter (NM_017890.5); short protein forms Y3434*, Y3459*.
Identifiers: ClinVar variation 2579052 (VCV002579052.26), dbSNP rs2492237648, ClinGen allele CA371781401.
Genomic context (GRCh38, chr8:99,853,691, plus strand): 5'-GTTTGAACTTTACTGTGTGGAGATCTGCTGTGGGGACCTGCAGCTAGACAACCAGCTTTA[T>A]AACAAGTCCAATTTCCACTTTGCTGTCTTAGTCTGCCAGGGAGAAAAAGCAGAACCCATT-3'